The following is an entry in ClinVar:

NM_002661.5(PLCG2):c.3785A>G (p.Lys1262Arg)

Gene: PLCG2 (phospholipase C gamma 2; plus strand). Cytogenetic location: 16q23.3.
Variant type: single nucleotide variant.
Coding change: c.3785A>G on transcript NM_002661.5 (MANE Select); coding-DNA position 3785, A replaced by G.
Protein change: p.Lys1262Arg; replaces lysine 1262 with arginine.
Molecular consequence: missense variant.
Genome position (GRCh38, 1-based): chr16:81,957,985, A>G. VCF-style: chr16-81957985-A-G. GRCh37 (hg19) VCF-style: chr16-81991590-A-G.
Other names: short protein forms K1262R.
Identifiers: ClinVar variation 1938557 (VCV001938557.5), dbSNP rs2507826141, ClinGen allele CA396898865.
Genomic context (GRCh38, chr16:81,957,985, plus strand): 5'-ACTGCTGATGGTGAAATCTGTTTTATTTCAGGTTAAGAGAGAAGAGAGTCAGCAACAGCA[A>G]GTTTTACTCATAGAAGCTGGGGTATGTGTGTAAGGGTATTGTGTGTGTGCGCATGTGTGT-3'
Protein context (NP_002652.2, residues 1252-1265): RLREKRVSNS[Lys1262Arg]FYS

ClinVar aggregate classification (germline): Uncertain significance (1 of 4 stars; one submission).

Conditions:
Familial cold autoinflammatory syndrome 3 (FCAS3). Also called: FAMILIAL ATYPICAL COLD URTICARIA; ANTIBODY DEFICIENCY AND IMMUNE DYSREGULATION, PLCG2-ASSOCIATED. Identifiers: Orphanet 300359, MedGen C3280914, MONDO:0013766, OMIM 614468.

Submission:

Labcorp Genetics (formerly Invitae), Labcorp
Classification: Uncertain significance for Familial cold autoinflammatory syndrome 3. Last evaluated: 2022-09-14. Review status: criteria provided, single submitter. Criteria: Invitae Variant Classification Sherloc (09022015). Collection method: clinical testing. Allele origin: germline.
Comment: This sequence change replaces lysine, which is basic and polar, with arginine, which is basic and polar, at codon 1262 of the PLCG2 protein (p.Lys1262Arg). This variant is not present in population databases (gnomAD no frequency). This variant has not been reported in the literature in individuals affected with PLCG2-related conditions. Algorithms developed to predict the effect of missense changes on protein structure and function output the following: SIFT: "Tolerated"; PolyPhen-2: "Benign"; Align-GVGD: "Class C0". The arginine amino acid residue is found in multiple mammalian species, which suggests that this missense change does not adversely affect protein function. Algorithms developed to predict the effect of sequence changes on RNA splicing suggest that this variant may disrupt the consensus splice site. In summary, the available evidence is currently insufficient to determine the role of this variant in disease. Therefore, it has been classified as a Variant of Uncertain Significance.